The following is an entry in ClinVar:

NM_000038.6(APC):c.7914T>G (p.Ala2638=)

Gene: APC (APC regulator of Wnt signaling pathway; plus strand). Cytogenetic location: 5q22.2.
Variant type: single nucleotide variant.
Coding change: c.7914T>G on transcript NM_000038.6 (MANE Select); coding-DNA position 7914, T replaced by G.
Protein change: p.Ala2638=; no amino-acid change (alanine 2638 retained).
Molecular consequence: synonymous variant.
Genome position (GRCh38, 1-based): chr5:112,843,508, T>G. VCF-style: chr5-112843508-T-G. GRCh37 (hg19) VCF-style: chr5-112179205-T-G.
Other names: c.7914T>G, p.Ala2638= (NM_001127510.3, NM_001354895.2); c.7860T>G, p.Ala2620= (NM_001127511.3); c.7968T>G, p.Ala2656= (NM_001354896.2); c.7944T>G, p.Ala2648= (NM_001354897.2); c.7839T>G, p.Ala2613= (NM_001354898.2); c.7830T>G, p.Ala2610= (NM_001354899.2); c.7791T>G, p.Ala2597= (NM_001354900.2); c.7737T>G, p.Ala2579= (NM_001354901.2); and 5 more.
Identifiers: ClinVar variation 470116 (VCV000470116.11), dbSNP rs758440266, ClinGen allele CA125167821.
Genomic context (GRCh38, chr5:112,843,508, plus strand): 5'-TGAATTTTCTCCCACAAATAGTACTTCTCAGACCGTTTCCTCAGGTGCTACAAATGGTGC[T>G]GAATCAAAGACTCTAATTTATCAAATGGCACCTGCTGTTTCTAAAACAGAGGATGTTTGG-3'
Protein context (NP_000029.2, residues 2628-2648): QTVSSGATNG[Ala2638=]ESKTLIYQMA

ClinVar aggregate classification (germline): Benign/Likely benign. Review status: criteria provided, multiple submitters, no conflicts (2 of 4 stars). 2 submissions from 2 submitters: Benign (1); Likely benign (1). Last evaluated 2024-05-13.

Conditions:
Familial adenomatous polyposis 1 (FAP1). Also called: POLYPOSIS, ADENOMATOUS INTESTINAL; FAMILIAL ADENOMATOUS POLYPOSIS 1, ATTENUATED. Identifiers: MedGen C2713442, MONDO:0021056, OMIM 175100. Disease mechanism: loss of function.

Submissions (2):

Labcorp Genetics (formerly Invitae), Labcorp
Classification: Likely benign for Familial adenomatous polyposis 1. Last evaluated: 2024-05-13. Review status: criteria provided, single submitter. Criteria: Invitae Variant Classification Sherloc (09022015). Collection method: clinical testing. Allele origin: germline.

Myriad Genetics, Inc.
Classification: Benign for Familial adenomatous polyposis 1. Last evaluated: 2024-04-11. Review status: criteria provided, single submitter. Criteria: Myriad Autosomal Dominant, Autosomal Recessive and X-Linked Classification Criteria (2023). Collection method: clinical testing. Allele origin: unknown.
Comment: This variant is considered benign. This variant is a silent/synonymous amino acid change and it is not expected to impact splicing.